The following is an entry in ClinVar:

ClinVar aggregate classification (germline): Uncertain significance (1 of 4 stars; one submission).

gnomAD v4.1: 3 of 1,614,224 alleles (0.00019%); highest among the groups gnomAD compares: Non-Finnish European, 0.00025%; no homozygotes.

Submission:

Labcorp Genetics (formerly Invitae), Labcorp
Classification: Uncertain significance. Last evaluated: 2025-07-20. Review status: criteria provided, single submitter. Criteria: Invitae Variant Classification Sherloc (09022015). Collection method: clinical testing. Allele origin: germline.
Comment: This sequence change replaces threonine, which is neutral and polar, with alanine, which is neutral and non-polar, at codon 430 of the LEMD3 protein (p.Thr430Ala). This variant is not present in population databases (gnomAD no frequency). This variant has not been reported in the literature in individuals affected with LEMD3-related conditions. Invitae Evidence Modeling of protein sequence and biophysical properties (such as structural, functional, and spatial information, amino acid conservation, physicochemical variation, residue mobility, and thermodynamic stability) indicates that this missense variant is not expected to disrupt LEMD3 protein function with a negative predictive value of 80%. In summary, the available evidence is currently insufficient to determine the role of this variant in disease. Therefore, it has been classified as a Variant of Uncertain Significance.

NM_014319.5(LEMD3):c.1288A>G (p.Thr430Ala)

Gene: LEMD3 (LEM domain containing 3; plus strand). Cytogenetic location: 12q14.3.
Variant type: single nucleotide variant.
Coding change: c.1288A>G on transcript NM_014319.5 (MANE Select); coding-DNA position 1288, A replaced by G.
Protein change: p.Thr430Ala; replaces threonine 430 with alanine.
Molecular consequence: missense variant.
Genome position (GRCh38, 1-based): chr12:65,170,884, A>G. VCF-style: chr12-65170884-A-G. GRCh37 (hg19) VCF-style: chr12-65564664-A-G.
Other names: c.1288A>G, p.Thr430Ala (NM_001167614.2); short protein forms T430A.
Identifiers: ClinVar variation 4766433 (VCV004766433.1).